The following is an entry in ClinVar:

ClinVar aggregate classification (germline): Pathogenic (1 of 4 stars; one submission).

Conditions:
Idiopathic Pulmonary Fibrosis. Also called: Idiopathic fibrosing alveolitis, chronic form; idiopathic fibrosing alveolitis. Identifiers: Orphanet 2032, MedGen C1800706, MeSH D054990, MONDO:0800504.
Dyskeratosis congenita, autosomal dominant 2. Identifiers: MedGen C3151443, MONDO:0013521, OMIM 613989.

Allele frequency attached by ClinVar (database versions not stated): gnomAD exomes below 0.00001.

Submission:

Labcorp Genetics (formerly Invitae), Labcorp
Classification: Pathogenic for Dyskeratosis congenita, autosomal dominant 2; Idiopathic Pulmonary Fibrosis. Last evaluated: 2023-03-17. Review status: criteria provided, single submitter. Criteria: Invitae Variant Classification Sherloc (09022015). Collection method: clinical testing. Allele origin: germline.
Comment: This variant is not present in population databases (gnomAD no frequency). For these reasons, this variant has been classified as Pathogenic. This variant has not been reported in the literature in individuals affected with TERT-related conditions. This sequence change creates a premature translational stop signal (p.Thr491Profs*18) in the TERT gene. It is expected to result in an absent or disrupted protein product. Loss-of-function variants in TERT are known to be pathogenic (PMID: 16247010, 17460043).

Literature cited by the submitters: PubMed 16247010; PubMed 17460043.

NM_198253.3(TERT):c.1471del (p.Thr491fs)

Gene: TERT (telomerase reverse transcriptase; minus strand). Cytogenetic location: 5p15.33.
Variant type: Deletion.
Coding change: c.1471del on transcript NM_198253.3 (MANE Select); coding-DNA position 1471, one base deleted (A; older notation c.1471delA).
Protein change: p.Thr491fs; shifts the reading frame from threonine 491.
Molecular consequence: frameshift variant. On other transcripts: non-coding transcript variant (2).
Genome position (GRCh38, 1-based): chr5:1,293,415, T deleted on the plus strand (A on the coding strand, the reverse complement: TERT is on the minus strand). VCF-style (leftmost placement, unchanged base first): chr5-1293414-GT-G. GRCh37 (hg19) VCF-style: chr5-1293529-GT-G.
Other names: c.1471del, p.Thr491fs (NM_001193376.3); c.1471delA, p.Thr491Profs (NM_003219.1); short protein forms T491fs.
Identifiers: ClinVar variation 2943992 (VCV002943992.3), dbSNP rs2478409005, ClinGen allele CA2673080617.